The following is an entry in ClinVar:

ClinVar aggregate classification (germline): Uncertain significance (1 of 4 stars; one submission).

Conditions:
Aicardi-Goutieres syndrome 5. Identifiers: Orphanet 51, MedGen C2749659, MONDO:0013059, OMIM 612952.

Allele frequency attached by ClinVar (database versions not stated): ExAC 0.00001; gnomAD 0.00001; 1000 Genomes Project 30x 0.00016; 1000 Genomes Project 0.00020.
gnomAD v4.1: 1 of 1,613,988 alleles (0.000062%); highest among the groups gnomAD compares: East Asian, 0.0022%; no homozygotes.

Submission:

Labcorp Genetics (formerly Invitae), Labcorp
Classification: Uncertain significance for Aicardi-Goutieres syndrome 5. Last evaluated: 2022-04-21. Review status: criteria provided, single submitter. Criteria: Invitae Variant Classification Sherloc (09022015). Collection method: clinical testing. Allele origin: germline.
Comment: In summary, the available evidence is currently insufficient to determine the role of this variant in disease. Therefore, it has been classified as a Variant of Uncertain Significance. Algorithms developed to predict the effect of sequence changes on RNA splicing suggest that this variant may disrupt the consensus splice site. This variant has not been reported in the literature in individuals affected with SAMHD1-related conditions. The frequency data for this variant in the population databases is considered unreliable, as metrics indicate poor data quality at this position in the gnomAD database. This sequence change affects codon 296 of the SAMHD1 mRNA. It is a 'silent' change, meaning that it does not change the encoded amino acid sequence of the SAMHD1 protein.

NM_015474.4(SAMHD1):c.888C>T (p.Phe296=)

Gene: SAMHD1 (SAM and HD domain containing deoxynucleoside triphosphate triphosphohydrolase 1; minus strand). Cytogenetic location: 20q11.23.
Variant type: single nucleotide variant.
Coding change: c.888C>T on transcript NM_015474.4 (MANE Select); coding-DNA position 888, C replaced by T.
Protein change: p.Phe296=; no amino-acid change (phenylalanine 296 retained).
Molecular consequence: synonymous variant.
Genome position (GRCh38, 1-based): chr20:36,917,014, G>A on the plus strand (C>T on the coding strand, the complement: SAMHD1 is on the minus strand). VCF-style: chr20-36917014-G-A. GRCh37 (hg19) VCF-style: chr20-35545417-G-A.
Other names: c.888C>T, p.Phe296= (NM_001363729.2, NM_001363733.2).
Identifiers: ClinVar variation 2174788 (VCV002174788.4), dbSNP rs541385940, ClinGen allele CA9844629.